The following is an entry in ClinVar:

ClinVar aggregate classification (germline): Uncertain significance (1 of 4 stars; one submission).

Conditions:
Malignant hyperthermia, susceptibility to, 1 (MHS1). Also called: Anesthesia related hyperthermia; Malignant hyperpyrexia; Fulminating hyperpyrexia; Pharmacogenic myopathy; RYR1-Related Malignant Hyperthermia Susceptibility; Malignant hyperthermia suceptibility 1. Identifiers: Orphanet 423, MedGen C2930980, MONDO:0007783, OMIM 145600.

Submission:

All of Us Research Program, National Institutes of Health
Classification: Uncertain significance for Malignant hyperthermia, susceptibility to, 1. Last evaluated: 2023-12-18. Review status: criteria provided, single submitter. Criteria: ACMG Guidelines, 2015. Collection method: clinical testing. Allele origin: germline. Inheritance: Autosomal dominant inheritance. Observed: 1 variant allele, 1 heterozygote.
Comment: This variant changes 1 nucleotide in exon 26 of the RYR1 gene, creating a premature translation stop signal. This variant is expected to result in an absent or non-functional protein product. To our knowledge, this variant has not been reported in individuals affected with RYR1-related disorders in the literature. This variant has not been identified in the general population by the Genome Aggregation Database (gnomAD). Loss of RYR1 function due to truncation variants is not an established disease mechanism for autosomal dominant malignant hyperthermia, although it is associated with other phenotype(s). Due to insufficient evidence, this variant is classified as a Variant of Uncertain Significance for autosomal dominant malignant hyperthermia.

This study involves interpretation of variants in research participants for the purpose of population health screening. Participant phenotype was not available at the time of variant classification. Additional details can be found in publication PMID: 35346344, PMCID: PMC8962531

NM_000540.3(RYR1):c.3466G>T (p.Glu1156Ter)

Gene: RYR1 (ryanodine receptor 1; plus strand). Cytogenetic location: 19q13.2.
Variant type: single nucleotide variant.
Coding change: c.3466G>T on transcript NM_000540.3 (MANE Select); coding-DNA position 3466, G replaced by T.
Protein change: p.Glu1156Ter; replaces glutamic acid 1156 with a stop codon.
Molecular consequence: nonsense.
Genome position (GRCh38, 1-based): chr19:38,469,050, G>T. VCF-style: chr19-38469050-G-T. GRCh37 (hg19) VCF-style: chr19-38959690-G-T.
Other names: c.3466G>T, p.Glu1156Ter (NM_001042723.2); short protein forms E1156*.
Identifiers: ClinVar variation 3075069 (VCV003075069.1), dbSNP rs2514113613, ClinGen allele CA405638546.